The following is an entry in ClinVar:

ClinVar aggregate classification (germline): Pathogenic. Review status: criteria provided, multiple submitters, no conflicts (2 of 4 stars). 2 submissions from 2 submitters: Pathogenic (2). Last evaluated 2021-04-23.

Conditions:
Hereditary cancer-predisposing syndrome. Also called: Hereditary neoplastic syndrome; Neoplastic Syndromes, Hereditary; Hereditary Cancer Syndrome; Tumor predisposition. Identifiers: Orphanet 140162, MedGen C0027672, MeSH D009386, MONDO:0015356.
DICER1-related tumor predisposition. Also called: DICER1-related pleuropulmonary blastoma cancer predisposition syndrome; DICER1 syndrome. Identifiers: Orphanet 284343, MedGen C3839822, MONDO:0100216.

Submissions (2):

Labcorp Genetics (formerly Invitae), Labcorp
Classification: Pathogenic for DICER1-related tumor predisposition. Last evaluated: 2021-04-23. Review status: criteria provided, single submitter. Criteria: Invitae Variant Classification Sherloc (09022015). Collection method: clinical testing. Allele origin: germline.
Comment: For these reasons, this variant has been classified as Pathogenic. This variant has not been reported in the literature in individuals with DICER1-related conditions. This variant is not present in population databases (ExAC no frequency). This sequence change creates a premature translational stop signal (p.Gln1135*) in the DICER1 gene. It is expected to result in an absent or disrupted protein product. Loss-of-function variants in DICER1 are known to be pathogenic (PMID: 19556464, 21266384).

Ambry Genetics
Classification: Pathogenic for Hereditary cancer-predisposing syndrome. Last evaluated: 2017-06-13. Review status: criteria provided, single submitter. Criteria: Ambry Variant Classification Scheme 2023. Collection method: clinical testing. Allele origin: germline.
Comment: The p.Q1135* pathogenic mutation (also known as c.3403C>T), located in coding exon 20 of the DICER1 gene, results from a C to T substitution at nucleotide position 3403. This changes the amino acid from a glutamine to a stop codon within coding exon 20. This alteration is expected to result in loss of function by premature protein truncation or nonsense-mediated mRNA decay. As such, this alteration is interpreted as a disease-causing mutation.

Literature cited by the submitters: PubMed 19556464 (cited by Labcorp Genetics (formerly Invitae), Labcorp); PubMed 21266384 (cited by Labcorp Genetics (formerly Invitae), Labcorp).

NM_177438.3(DICER1):c.3403C>T (p.Gln1135Ter)

Gene: DICER1 (dicer 1, ribonuclease III; minus strand). Cytogenetic location: 14q32.13.
Variant type: single nucleotide variant.
Coding change: c.3403C>T on transcript NM_177438.3 (MANE Select); coding-DNA position 3403, C replaced by T.
Protein change: p.Gln1135Ter; replaces glutamine 1135 with a stop codon.
Molecular consequence: nonsense.
Genome position (GRCh38, 1-based): chr14:95,103,993, G>A on the plus strand (C>T on the coding strand, the complement: DICER1 is on the minus strand). VCF-style: chr14-95103993-G-A. GRCh37 (hg19) VCF-style: chr14-95570330-G-A.
Other names: c.3403C>T, p.Gln1135Ter (NM_001195573.1, NM_001271282.3, NM_001291628.2 and 1 more transcripts); short protein forms Q1135*.
Identifiers: ClinVar variation 1411954 (VCV001411954.9), dbSNP rs755711684, ClinGen allele CA390875582.